The following is an entry in ClinVar:

NM_021971.4(GMPPB):c.1069C>T (p.Arg357Cys)

Gene: GMPPB (GDP-mannose pyrophosphorylase B; minus strand). Cytogenetic location: 3p21.31.
Variant type: single nucleotide variant.
Coding change: c.1069C>T on transcript NM_021971.4 (MANE Select); coding-DNA position 1069, C replaced by T.
Protein change: p.Arg357Cys; replaces arginine 357 with cysteine.
Molecular consequence: missense variant.
Genome position (GRCh38, 1-based): chr3:49,721,766, G>A on the plus strand (C>T on the coding strand, the complement: GMPPB is on the minus strand). VCF-style: chr3-49721766-G-A. GRCh37 (hg19) VCF-style: chr3-49759199-G-A.
Other names: c.1150C>T, p.Arg384Cys (NM_013334.4); short protein forms R357C, R384C.
Identifiers: ClinVar variation 4526932 (VCV004526932.2).

ClinVar aggregate classification (germline): Likely pathogenic (1 of 4 stars; one submission).

gnomAD v4.1: 7 of 1,604,754 alleles (0.00044%); highest among the groups gnomAD compares: South Asian, 0.0022%; no homozygotes.

Submission:

GeneDx
Classification: Likely pathogenic. Last evaluated: 2026-07-15. Review status: criteria provided, single submitter. Criteria: GeneDx Variant Classification Process June 2021. Collection method: clinical testing. Allele origin: germline.
Comment: Not observed at significant frequency in large population cohorts (gnomAD); In silico analysis supports that this missense variant has a deleterious effect on protein structure/function; Has not been previously published as pathogenic or benign to our knowledge